The following is an entry in ClinVar:

ClinVar aggregate classification (germline): Uncertain significance. Review status: criteria provided, multiple submitters, no conflicts (2 of 4 stars). 7 submissions from 7 submitters: Uncertain significance (7). Last evaluated 2026-01-09.

Conditions:
Hereditary cancer-predisposing syndrome. Also called: Tumor predisposition; Neoplastic Syndromes, Hereditary; Hereditary Cancer Syndrome; Hereditary neoplastic syndrome. Identifiers: Orphanet 140162, MedGen C0027672, MeSH D009386, MONDO:0015356.
Nijmegen breakage syndrome-like disorder (NBSLD). Also called: MICROCEPHALY AND SPONTANEOUS CHROMOSOME INSTABILITY WITHOUT IMMUNODEFICIENCY; NBS-LIKE DISORDER; RAD50 DEFICIENCY. Identifiers: Orphanet 240760, MedGen C2751318, MONDO:0013118, OMIM 613078.

Allele frequency attached by ClinVar (database versions not stated): ExAC 0.00002; gnomAD 0.00002; gnomAD exomes 0.00002; TOPMed 0.00004.
gnomAD v4.1: 17 of 1,613,064 alleles (0.0011%); highest among the groups gnomAD compares: Admixed American, 0.01%; no homozygotes.

Submissions (7):

Women's Health and Genetics/Laboratory Corporation of America, LabCorp
Classification: Uncertain significance. Last evaluated: 2026-01-09. Review status: criteria provided, single submitter. Criteria: LabCorp Variant Classification Summary - May 2015. Collection method: clinical testing. Allele origin: germline.
Comment: Variant summary: RAD50 c.673G>A (p.Asp225Asn) results in a conservative amino acid change in the encoded protein sequence. Algorithms developed to predict the effect of missense changes on protein structure and function are either unavailable or do not agree on the potential impact of this missense change. The variant allele was found at a frequency of 1.6e-05 in 251158 control chromosomes (gnomAD). The available data on variant occurrences in the general population are insufficient to allow any conclusion about variant significance. c.673G>A has been observed in individuals affected with breast cancer, ovarian cancer or colorectal cancer (Velzquez_2020, de Oliveira_2022, Arranz-Ledo_2025). These reports do not provide unequivocal conclusions about association of the variant with Nijmegen Breakage Syndrome-Like Disorder. To our knowledge, no experimental evidence demonstrating an impact on protein function has been reported. The following publications have been ascertained in the context of this evaluation (PMID: 40282418, 32522261, 35534704). ClinVar contains an entry for this variant (Variation ID: 128027). Based on the evidence outlined above, the variant was classified as uncertain significance.

Labcorp Genetics (formerly Invitae), Labcorp
Classification: Uncertain significance for Hereditary cancer-predisposing syndrome. Last evaluated: 2024-04-22. Review status: criteria provided, single submitter. Criteria: Invitae Variant Classification Sherloc (09022015). Collection method: clinical testing. Allele origin: germline.
Comment: This sequence change replaces aspartic acid, which is acidic and polar, with asparagine, which is neutral and polar, at codon 225 of the RAD50 protein (p.Asp225Asn). This variant is present in population databases (rs587780159, gnomAD 0.009%). This variant has not been reported in the literature in individuals affected with RAD50-related conditions. ClinVar contains an entry for this variant (Variation ID: 128027). Advanced modeling of protein sequence and biophysical properties (such as structural, functional, and spatial information, amino acid conservation, physicochemical variation, residue mobility, and thermodynamic stability) performed at Invitae indicates that this missense variant is not expected to disrupt RAD50 protein function with a negative predictive value of 80%. In summary, the available evidence is currently insufficient to determine the role of this variant in disease. Therefore, it has been classified as a Variant of Uncertain Significance.

Ambry Genetics
Classification: Uncertain significance for Hereditary cancer-predisposing syndrome. Last evaluated: 2023-05-05. Review status: criteria provided, single submitter. Criteria: Ambry Variant Classification Scheme 2023. Collection method: clinical testing. Allele origin: germline.
Comment: The p.D225N variant (also known as c.673G>A), located in coding exon 5 of the RAD50 gene, results from a G to A substitution at nucleotide position 673. The aspartic acid at codon 225 is replaced by asparagine, an amino acid with highly similar properties. This amino acid position is well conserved in available vertebrate species. In addition, this alteration is predicted to be tolerated by in silico analysis. Since supporting evidence is limited at this time, the clinical significance of this alteration remains unclear.

Quest Diagnostics Nichols Institute San Juan Capistrano
Classification: Uncertain significance. Last evaluated: 2023-03-30. Review status: criteria provided, single submitter. Criteria: Quest Diagnostics criteria. Collection method: clinical testing. Allele origin: unknown.
Comment: The frequency of this variant in the general population, 0.000087 (3/34572 chromosomes), is uninformative in assessment of its pathogenicity. In a large scale breast cancer association study, the variant was observed in individuals with breast cancer as well as in an unaffected individual (PMID: 33471991 (2021), see also LOVD). Analysis of this variant using bioinformatics tools for the prediction of the effect of amino acid changes on protein structure and function yielded predictions that this variant is benign. Based on the available information, we are unable to determine the clinical significance of this variant.

Laboratorio de Genetica e Diagnostico Molecular, Hospital Israelita Albert Einstein
Classification: Uncertain significance for Nijmegen breakage syndrome-like disorder. Last evaluated: 2022-05-13. Review status: criteria provided, single submitter. Criteria: ACMG Guidelines, 2015. Collection method: clinical testing. Allele origin: germline. Affected: yes.
Comment: ACMG classification criteria: PM2 moderate, BP4 supporting

Sema4
Classification: Uncertain significance for Nijmegen breakage syndrome-like disorder. Last evaluated: 2021-05-01. Review status: criteria provided, single submitter. Criteria: Sema4 Curation Guidelines. Collection method: curation. Allele origin: germline.
Comment: The RAD50 c.673G>A (p.D225N) variant has been reported in heterozygosity in at least three individuals with breast cancer (PMID: 33471991). It was observed in 3/34572 chromosomes in the Latino subpopulation in the large and broad cohorts of the Genome Aggregation Database (PMID: 32461654). The variant has been reported in ClinVar (Variation ID: 128027). In silico tools suggest the impact of the variant on protein function is benign, though these predictions have not been confirmed by functional studies. The evidence is insufficient to meet ACMG/AMP criteria for classifying the variant as benign or pathogenic. Thus, the clinical significance of this variant is currently uncertain.

GeneDx
Classification: Uncertain significance. Last evaluated: 2014-02-19. Review status: criteria provided, single submitter. Criteria: GeneDx Variant Classification (06012015). Collection method: clinical testing. Allele origin: germline. Affected: yes.
Comment: RAD50 has been only recently described in association with cancer predisposition and the risks are not well understood. This variant is denoted RAD50 c.673G>A at the cDNA level, p.Asp225Asn (D225N) at the protein level, and results in the change of an Aspartic Acid to an Asparagine (GAT>AAT). This variant has not, to our knowledge, been published in the literature as pathogenic or benign. RAD50 Asp225Asn was not observed in approximately 6,500 individuals of European and African American ancestry in the NHLBI Exome Sequencing Project, indicating it is not a common benign variant in these populations. This variant is a semi-conservative substitution in which a negative polar amino acid is replaced with a neutral polar one, altering a position that is well conserved throughout evolution and is not located in a known functional domain. In silico analyses are inconsistent with regard to the effect this variant may have on protein structure and function. At a molecular level, the impact of this missense variant on protein structure and function is not known and thus we consider this to be a variant of uncertain significance. Furthermore, based on the currently available information, cancer risks associated with this variant, and the RAD50 gene, remain unclear.

Literature cited by the submitters: PubMed 32522261 (cited by Women's Health and Genetics/Laboratory Corporation of America, LabCorp); PubMed 35534704 (cited by Women's Health and Genetics/Laboratory Corporation of America, LabCorp); PubMed 40282418 (cited by Women's Health and Genetics/Laboratory Corporation of America, LabCorp); PubMed 33471991 (cited by Quest Diagnostics Nichols Institute San Juan Capistrano and Sema4).

NM_005732.4(RAD50):c.673G>A (p.Asp225Asn)

Gene: RAD50 (RAD50 double strand break repair protein; plus strand). Cytogenetic location: 5q31.1.
Variant type: single nucleotide variant.
Coding change: c.673G>A on transcript NM_005732.4 (MANE Select); coding-DNA position 673, G replaced by A.
Protein change: p.Asp225Asn; replaces aspartic acid 225 with asparagine.
Molecular consequence: missense variant.
Genome position (GRCh38, 1-based): chr5:132,579,983, G>A. VCF-style: chr5-132579983-G-A. GRCh37 (hg19) VCF-style: chr5-131915675-G-A.
Other names: p.D225N:GAT>AAT; short protein forms D225N.
Identifiers: ClinVar variation 128027 (VCV000128027.19), dbSNP rs587780159, ClinGen allele CA288217.